The following is an entry in ClinVar:

NM_014264.5(PLK4):c.475A>T (p.Thr159Ser)

Gene: PLK4 (polo like kinase 4; plus strand). Cytogenetic location: 4q28.1.
Variant type: single nucleotide variant.
Coding change: c.475A>T on transcript NM_014264.5 (MANE Select); coding-DNA position 475, A replaced by T.
Protein change: p.Thr159Ser; replaces threonine 159 with serine.
Molecular consequence: missense variant.
Genome position (GRCh38, 1-based): chr4:127,885,845, A>T. VCF-style: chr4-127885845-A-T. GRCh37 (hg19) VCF-style: chr4-128807000-A-T.
Other names: c.379A>T, p.Thr127Ser (NM_001190799.2); c.352A>T, p.Thr118Ser (NM_001190801.2); short protein forms T118S, T159S, T127S.
Identifiers: ClinVar variation 1380410 (VCV001380410.6), dbSNP rs1321614673, ClinGen allele CA358168777.

ClinVar aggregate classification (germline): Uncertain significance (1 of 4 stars; one submission).

Allele frequency attached by ClinVar (database versions not stated): TOPMed 0.00001.

Submission:

Labcorp Genetics (formerly Invitae), Labcorp
Classification: Uncertain significance. Last evaluated: 2022-09-13. Review status: criteria provided, single submitter. Criteria: Invitae Variant Classification Sherloc (09022015). Collection method: clinical testing. Allele origin: germline.
Comment: In summary, the available evidence is currently insufficient to determine the role of this variant in disease. Therefore, it has been classified as a Variant of Uncertain Significance. Algorithms developed to predict the effect of missense changes on protein structure and function (SIFT, PolyPhen-2, Align-GVGD) all suggest that this variant is likely to be disruptive. ClinVar contains an entry for this variant (Variation ID: 1380410). This variant has not been reported in the literature in individuals affected with PLK4-related conditions. This variant is not present in population databases (gnomAD no frequency). This sequence change replaces threonine, which is neutral and polar, with serine, which is neutral and polar, at codon 159 of the PLK4 protein (p.Thr159Ser).